The following is an entry in ClinVar:

ClinVar aggregate classification (germline): Conflicting classifications of pathogenicity. Review status: criteria provided, conflicting classifications (1 of 4 stars). 3 submissions from 3 submitters: Pathogenic (2); Uncertain significance (1). Last evaluated 2026-04-10.

Conditions:
Hypogonadotropic hypogonadism. Also called: Hypogonadotrophic hypogonadism; Isolated hypogonadotropic hypogonadism; Hypogonadotropic hypogonadism with or without anosmia; Low gonadotropins (secondary hypogonadism). Identifiers: Orphanet 432, MedGen C0271623, MONDO:0018555, HP:0000044.

Allele frequency attached by ClinVar (database versions not stated): gnomAD exomes 0.00003; gnomAD 0.00035; 1000 Genomes Project 30x 0.00062; ExAC 0.00011; TOPMed 0.00034; ESP Exome Variant Server 0.00046; 1000 Genomes Project 0.00060.

Submissions (3):

Cambridge Genomics Laboratory, East Genomic Laboratory Hub, NHS Genomic Medicine Service
Classification: Pathogenic for Hypogonadotropic hypogonadism. Last evaluated: 2026-04-10. Review status: criteria provided, single submitter. Criteria: ACGS Best Practice Guidelines for Variant Classification in Rare Disease 2020. Collection method: clinical testing. Allele origin: germline. Affected: yes.
Comment: PVS1,PM2,PM3

NHS Central & South Genomic Laboratory Hub
Classification: Uncertain significance for Hypogonadotropic hypogonadism. Last evaluated: 2025-04-09. Review status: criteria provided, single submitter. Criteria: ACMG Guidelines, 2015. Collection method: clinical testing. Allele origin: germline. Affected: yes.

Labcorp Genetics (formerly Invitae), Labcorp
Classification: Pathogenic. Last evaluated: 2022-07-21. Review status: criteria provided, single submitter. Criteria: Invitae Variant Classification Sherloc (09022015). Collection method: clinical testing. Allele origin: germline.
Comment: Disruption of this splice site has been observed in individuals with Idiopathic hypogonadotropic hypogonadism (PMID: 20194706, 31200363). For these reasons, this variant has been classified as Pathogenic. Algorithms developed to predict the effect of sequence changes on RNA splicing suggest that this variant may disrupt the consensus splice site. This variant is present in population databases (rs146391497, gnomAD 0.1%). This sequence change affects an acceptor splice site in intron 3 of the TAC3 gene. It is expected to disrupt RNA splicing. Variants that disrupt the donor or acceptor splice site typically lead to a loss of protein function (PMID: 16199547), and loss-of-function variants in TAC3 are known to be pathogenic (PMID: 20194706, 20332248, 25077900).

Literature cited by the submitters: PubMed 20194706 (cited by Labcorp Genetics (formerly Invitae), Labcorp); PubMed 31200363 (cited by Labcorp Genetics (formerly Invitae), Labcorp); PubMed 16199547 (cited by Labcorp Genetics (formerly Invitae), Labcorp); PubMed 20332248 (cited by Labcorp Genetics (formerly Invitae), Labcorp); PubMed 25077900 (cited by Labcorp Genetics (formerly Invitae), Labcorp).

NM_013251.4(TAC3):c.209-1G>C

Gene: TAC3 (tachykinin precursor 3; minus strand). Cytogenetic location: 12q13.3.
Variant type: single nucleotide variant.
Coding change: c.209-1G>C on transcript NM_013251.4 (MANE Select); the canonical splice acceptor site of the intron before coding-DNA position 209, G replaced by C.
Molecular consequence: splice acceptor variant.
Genome position (GRCh38, 1-based): chr12:57,013,389, C>G on the plus strand (G>C on the coding strand, the complement: TAC3 is on the minus strand). VCF-style: chr12-57013389-C-G. GRCh37 (hg19) VCF-style: chr12-57407173-C-G.
Other names: c.209-1G>C (NM_001178054.2).
Identifiers: ClinVar variation 2075572 (VCV002075572.6), dbSNP rs146391497, ClinGen allele CA6639411.
Genomic context (GRCh38, chr12:57,013,389, plus strand): 5'-AGAGATAGGGAGGGAGAAGAGGGTACTTACGTTTCTCGGGAGATGTTGATTCCTTAGGAT[C>G]TGTGAAACCAAGAACAGATGTCTAAATGGGGAGTGAAGTTGGAAAGTGATGAGAGCGGGG-3'